The following is an entry in ClinVar:

NM_213653.4(HJV):c.605A>G (p.Gln202Arg)

Gene: HJV (hemojuvelin BMP co-receptor; minus strand). Cytogenetic location: 1q21.1.
Variant type: single nucleotide variant.
Coding change: c.605A>G on transcript NM_213653.4 (MANE Select); coding-DNA position 605, A replaced by G.
Protein change: p.Gln202Arg; replaces glutamine 202 with arginine.
Molecular consequence: missense variant. On other transcripts: intron variant (3).
Genome position (GRCh38, 1-based): chr1:146,019,227, T>C on the plus strand (A>G on the coding strand, the complement: HJV is on the minus strand). VCF-style: chr1-146019227-T-C. GRCh37 (hg19) VCF-style: chr1-145415786-A-G.
Other names: c.605A>G, p.Gln202Arg (NM_001379352.1); c.266A>G, p.Gln89Arg (NM_145277.5); c.-21-527A>G (NM_213652.4); c.-22+471A>G (NM_202004.4, NM_001316767.2); short protein forms Q202R, Q89R.
Identifiers: ClinVar variation 2722952 (VCV002722952.3), dbSNP rs1373621339, ClinGen allele CA342138927.

ClinVar aggregate classification (germline): Uncertain significance (1 of 4 stars; one submission).

Allele frequency attached by ClinVar (database versions not stated): gnomAD exomes 0.00001; TOPMed 0.00002.

Submission:

Labcorp Genetics (formerly Invitae), Labcorp
Classification: Uncertain significance. Last evaluated: 2023-07-13. Review status: criteria provided, single submitter. Criteria: Invitae Variant Classification Sherloc (09022015). Collection method: clinical testing. Allele origin: germline.
Comment: In summary, the available evidence is currently insufficient to determine the role of this variant in disease. Therefore, it has been classified as a Variant of Uncertain Significance. An algorithm developed to predict the effect of missense changes on protein structure and function (PolyPhen-2) suggests that this variant is likely to be disruptive. This missense change has been observed in individual(s) with clinical features of hereditary hemochromatosis (Invitae). In at least one individual the data is consistent with being in trans (on the opposite chromosome) from a pathogenic variant. This variant is present in population databases (no rsID available, gnomAD 0.01%). This sequence change replaces glutamine, which is neutral and polar, with arginine, which is basic and polar, at codon 202 of the HJV protein (p.Gln202Arg).